The following is an entry in ClinVar:

NM_152628.4(SNX31):c.498G>A (p.Arg166=)

Gene: SNX31 (sorting nexin 31; minus strand). Cytogenetic location: 8q22.3.
Variant type: single nucleotide variant.
Coding change: c.498G>A on transcript NM_152628.4 (MANE Select); coding-DNA position 498, G replaced by A.
Protein change: p.Arg166=; no amino-acid change (arginine 166 retained).
Molecular consequence: synonymous variant.
Genome position (GRCh38, 1-based): chr8:100,613,020, C>T on the plus strand (G>A on the coding strand, the complement: SNX31 is on the minus strand). VCF-style: chr8-100613020-C-T. GRCh37 (hg19) VCF-style: chr8-101625248-C-T.
Other names: c.201G>A, p.Arg67= (NM_001363720.1).
Identifiers: ClinVar variation 4820956 (VCV004820956.4).

ClinVar aggregate classification (germline): Likely benign (1 of 4 stars; one submission).

gnomAD v4.1: 6,009 of 1,614,036 alleles (0.37%); highest among the groups gnomAD compares: Non-Finnish European, 0.47%; 17 homozygotes.

Submission:

CeGaT Center for Human Genetics Tuebingen
Classification: Likely benign. Last evaluated: 2026-02-01. Review status: criteria provided, single submitter. Criteria: CeGaT Center For Human Genetics Tuebingen Variant Classification Criteria Version 2. Collection method: clinical testing. Allele origin: germline. Affected: yes. Observed: 1 variant allele.
Comment: SNX31: BP4, BS2